The following is an entry in ClinVar:

NM_000051.4(ATM):c.2702T>C (p.Leu901Pro)

Gene: ATM (ATM serine/threonine kinase; plus strand). Cytogenetic location: 11q22.3.
Variant type: single nucleotide variant.
Coding change: c.2702T>C on transcript NM_000051.4 (MANE Select); coding-DNA position 2702, T replaced by C.
Protein change: p.Leu901Pro; replaces leucine 901 with proline.
Molecular consequence: missense variant.
Genome position (GRCh38, 1-based): chr11:108,268,473, T>C. VCF-style: chr11-108268473-T-C. GRCh37 (hg19) VCF-style: chr11-108139200-T-C.
Other names: c.2702T>C, p.Leu901Pro (NM_001351834.2); short protein forms L901P.
Identifiers: ClinVar variation 3965834 (VCV003965834.2).
Genomic context (GRCh38, chr11:108,268,473, plus strand): 5'-CCATTAATCCTTTAGCTGAAGAATATCTGTCAAAGCAAGATCTACTTTTCTTAGACATGC[T>C]CAAGTTCTTGTGTTTGTGTGTAACTACTGCTCAGACCAATACTGTGTCCTTTAGGGCAGC-3'
Protein context (NP_000042.3, residues 891-911): SKQDLLFLDM[Leu901Pro]KFLCLCVTTA

ClinVar aggregate classification (germline): Uncertain significance. Review status: criteria provided, multiple submitters, no conflicts (2 of 4 stars). 2 submissions from 2 submitters: Uncertain significance (2). Last evaluated 2025-10-09.

Conditions:
Ataxia-telangiectasia syndrome (AT). Also called: Ataxia-telangiectasia; LOUIS-BAR SYNDROME; Cerebello-oculocutaneous telangiectasia; Immunodeficiency with ataxia telangiectasia; AT, COMPLEMENTATION GROUP C; Ataxia-telangiectasia, complementation group D. Identifiers: Orphanet 100, MedGen C0004135, MONDO:0008840, OMIM 208900.
Hereditary cancer-predisposing syndrome. Also called: Tumor predisposition; Neoplastic Syndromes, Hereditary; Hereditary Cancer Syndrome; Hereditary neoplastic syndrome. Identifiers: Orphanet 140162, MedGen C0027672, MeSH D009386, MONDO:0015356.

Submissions (2):

Labcorp Genetics (formerly Invitae), Labcorp
Classification: Uncertain significance for Ataxia-telangiectasia syndrome. Last evaluated: 2025-10-09. Review status: criteria provided, single submitter. Criteria: Invitae Variant Classification Sherloc (09022015). Collection method: clinical testing. Allele origin: germline.
Comment: This sequence change replaces leucine, which is neutral and non-polar, with proline, which is neutral and non-polar, at codon 901 of the ATM protein (p.Leu901Pro). This variant is not present in population databases (gnomAD no frequency). This missense change has been observed in individual(s) with clinical features of ataxia-telangiectasia (PMID: 37075885). ClinVar contains an entry for this variant (Variation ID: 3965834). Invitae Evidence Modeling of protein sequence and biophysical properties (such as structural, functional, and spatial information, amino acid conservation, physicochemical variation, residue mobility, and thermodynamic stability) has been performed for this missense variant. However, the output from this modeling did not meet the statistical confidence thresholds required to predict the impact of this variant on ATM protein function. In summary, the available evidence is currently insufficient to determine the role of this variant in disease. Therefore, it has been classified as a Variant of Uncertain Significance.

Ambry Genetics
Classification: Uncertain significance for Hereditary cancer-predisposing syndrome. Last evaluated: 2025-03-27. Review status: criteria provided, single submitter. Criteria: Ambry Variant Classification Scheme 2023. Collection method: clinical testing. Allele origin: germline.
Comment: The p.L901P variant (also known as c.2702T>C), located in coding exon 17 of the ATM gene, results from a T to C substitution at nucleotide position 2702. The leucine at codon 901 is replaced by proline, an amino acid with similar properties. This variant has been identified in the homozygous state and/or in conjunction with other ATM variant(s) in individual(s) with features consistent with ataxia telangiectasia (Das S et al. Eur J Med Genet, 2023 Jun;66:104766). This amino acid position is well conserved in available vertebrate species. In addition, this alteration is predicted to be deleterious by in silico analysis. Based on the available evidence, the clinical significance of this variant remains unclear.

Literature cited by the submitters: PubMed 37075885 (cited by Labcorp Genetics (formerly Invitae), Labcorp and Ambry Genetics).